The following is an entry in ClinVar:

ClinVar aggregate classification (germline): Uncertain significance (1 of 4 stars; one submission).

Submission:

Labcorp Genetics (formerly Invitae), Labcorp
Classification: Uncertain significance. Last evaluated: 2023-02-24. Review status: criteria provided, single submitter. Criteria: Invitae Variant Classification Sherloc (09022015). Collection method: clinical testing. Allele origin: germline.
Comment: In summary, the available evidence is currently insufficient to determine the role of this variant in disease. Therefore, it has been classified as a Variant of Uncertain Significance. This variant has not been reported in the literature in individuals affected with CACNA1B-related conditions. This variant is not present in population databases (gnomAD no frequency). This sequence change replaces leucine, which is neutral and non-polar, with isoleucine, which is neutral and non-polar, at codon 235 of the CACNA1B protein (p.Leu235Ile). Advanced modeling of protein sequence and biophysical properties (such as structural, functional, and spatial information, amino acid conservation, physicochemical variation, residue mobility, and thermodynamic stability) performed at Invitae indicates that this missense variant is not expected to disrupt CACNA1B protein function.

NM_000718.4(CACNA1B):c.703C>A (p.Leu235Ile)

Gene: CACNA1B (calcium voltage-gated channel subunit alpha1 B; plus strand). Cytogenetic location: 9q34.3.
Variant type: single nucleotide variant.
Coding change: c.703C>A on transcript NM_000718.4 (MANE Select); coding-DNA position 703, C replaced by A.
Protein change: p.Leu235Ile; replaces leucine 235 with isoleucine.
Molecular consequence: missense variant.
Genome position (GRCh38, 1-based): chr9:137,914,734, C>A. VCF-style: chr9-137914734-C-A. GRCh37 (hg19) VCF-style: chr9-140809186-C-A.
Other names: c.703C>A, p.Leu235Ile (NM_001243812.2); short protein forms L235I.
Identifiers: ClinVar variation 2840626 (VCV002840626.3), dbSNP rs2539143188, ClinGen allele CA375803800.